The following is an entry in ClinVar:

NM_003482.4(KMT2D):c.16553A>G (p.Asp5518Gly)

Gene: KMT2D (lysine methyltransferase 2D; minus strand). Cytogenetic location: 12q13.12.
Variant type: single nucleotide variant.
Coding change: c.16553A>G on transcript NM_003482.4 (MANE Select); coding-DNA position 16553, A replaced by G.
Protein change: p.Asp5518Gly; replaces aspartic acid 5518 with glycine.
Molecular consequence: missense variant.
Genome position (GRCh38, 1-based): chr12:49,021,841, T>C on the plus strand (A>G on the coding strand, the complement: KMT2D is on the minus strand). VCF-style: chr12-49021841-T-C. GRCh37 (hg19) VCF-style: chr12-49415624-T-C.
Other names: short protein forms D5518G.
Identifiers: ClinVar variation 1502946 (VCV001502946.6), dbSNP rs2137702958, ClinGen allele CA384675339.

ClinVar aggregate classification (germline): Uncertain significance (1 of 4 stars; one submission).

Conditions:
Kabuki syndrome. Also called: NIIKAWA-KUROKI SYNDROME; Kabuki make-up syndrome. Identifiers: Orphanet 2322, MedGen C0796004, MONDO:0016512.

Submission:

Labcorp Genetics (formerly Invitae), Labcorp
Classification: Uncertain significance for Kabuki syndrome. Last evaluated: 2021-08-17. Review status: criteria provided, single submitter. Criteria: Invitae Variant Classification Sherloc (09022015). Collection method: clinical testing. Allele origin: germline.
Comment: This sequence change replaces aspartic acid with glycine at codon 5518 of the KMT2D protein (p.Asp5518Gly). The aspartic acid residue is moderately conserved and there is a moderate physicochemical difference between aspartic acid and glycine. This variant is not present in population databases (ExAC no frequency). This variant has not been reported in the literature in individuals affected with KMT2D-related conditions. Algorithms developed to predict the effect of missense changes on protein structure and function are either unavailable or do not agree on the potential impact of this missense change (SIFT: "Tolerated"; PolyPhen-2: "Not Available"; Align-GVGD: "Class C0"). In summary, the available evidence is currently insufficient to determine the role of this variant in disease. Therefore, it has been classified as a Variant of Uncertain Significance.